The following is an entry in ClinVar:

ClinVar aggregate classification (germline): Conflicting classifications of pathogenicity. Review status: criteria provided, conflicting classifications (1 of 4 stars). 9 submissions from 9 submitters: Uncertain significance (8); Likely benign (1). Last evaluated 2026-07-01.

Conditions:
TRIM32-related disorder. Also called: TRIM32-related condition.
Bardet-Biedl syndrome 11 (BBS11). Identifiers: Orphanet 110, MedGen C1859569, MONDO:0014439, OMIM 615988.
Sarcotubular myopathy (LGMDR8). Also called: Autosomal recessive limb-girdle muscular dystrophy type 2H; Hutterite type of muscular dystrophy; Limb-girdle muscular dystrophy, type 2H; MUSCULAR DYSTROPHY, LIMB-GIRDLE, AUTOSOMAL RECESSIVE 8. Identifiers: Orphanet 1878, MedGen C0270968, MONDO:0009683, OMIM 254110.
Bardet-Biedl syndrome (BBS). Identifiers: Orphanet 110, MedGen C0752166, MONDO:0015229.

Allele frequency attached by ClinVar (database versions not stated): TOPMed 0.00008; gnomAD 0.00009; gnomAD exomes 0.00014; ExAC 0.00015; ESP Exome Variant Server 0.00015.
gnomAD v4.1: 204 of 1,614,094 alleles (0.013%); highest among the groups gnomAD compares: Non-Finnish European, 0.016%; no homozygotes.

Submissions (9):

CeGaT Center for Human Genetics Tuebingen
Classification: Uncertain significance. Last evaluated: 2026-07-01. Review status: criteria provided, single submitter. Criteria: CeGaT Center For Human Genetics Tuebingen Variant Classification Criteria Version 2. Collection method: clinical testing. Allele origin: germline. Affected: yes. Observed: 1 variant allele.
Comment: TRIM32: PM2, BP4

PreventionGenetics, part of Exact Sciences
Classification: Uncertain significance for TRIM32-related condition. Last evaluated: 2026-04-20. Review status: criteria provided, single submitter. Criteria: ACMG Guidelines, 2015. Collection method: clinical testing. Allele origin: germline.
Comment: The TRIM32 c.979A>G variant is predicted to result in the amino acid substitution p.Met327Val. To our knowledge, this variant has not been reported in the literature. This variant is reported in 0.026% of alleles in individuals of European (non-Finnish) descent in gnomAD. At this time, the clinical significance of this variant is uncertain due to the absence of conclusive functional and genetic evidence.

Blueprint Genetics
Classification: Likely benign. Last evaluated: 2024-10-03. Review status: criteria provided, single submitter. Criteria: ACMG Guidelines, 2015. Collection method: clinical testing. Allele origin: germline.

Labcorp Genetics (formerly Invitae), Labcorp
Classification: Uncertain significance for Bardet-Biedl syndrome. Last evaluated: 2022-09-26. Review status: criteria provided, single submitter. Criteria: Invitae Variant Classification Sherloc (09022015). Collection method: clinical testing. Allele origin: germline.
Comment: This sequence change replaces methionine, which is neutral and non-polar, with valine, which is neutral and non-polar, at codon 327 of the TRIM32 protein (p.Met327Val). This variant is present in population databases (rs373287765, gnomAD 0.03%). This variant has not been reported in the literature in individuals affected with TRIM32-related conditions. ClinVar contains an entry for this variant (Variation ID: 450274). Algorithms developed to predict the effect of missense changes on protein structure and function output the following: SIFT: "Tolerated"; PolyPhen-2: "Benign"; Align-GVGD: "Class C0". The valine amino acid residue is found in multiple mammalian species, which suggests that this missense change does not adversely affect protein function. Algorithms developed to predict the effect of sequence changes on RNA splicing suggest that this variant may create or strengthen a splice site. In summary, the available evidence is currently insufficient to determine the role of this variant in disease. Therefore, it has been classified as a Variant of Uncertain Significance.

Fulgent Genetics
Classification: Uncertain significance for Sarcotubular myopathy; Bardet-Biedl syndrome 11. Last evaluated: 2021-11-23. Review status: criteria provided, single submitter. Criteria: ACMG Guidelines, 2015. Collection method: clinical testing. Allele origin: unknown.

Revvity Omics, Revvity
Classification: Uncertain significance. Last evaluated: 2021-08-09. Review status: criteria provided, single submitter. Criteria: ACMG Guidelines, 2015. Collection method: clinical testing. Allele origin: germline.

GeneDx
Classification: Uncertain significance. Last evaluated: 2021-08-03. Review status: criteria provided, single submitter. Criteria: GeneDx Variant Classification Process June 2021. Collection method: clinical testing. Allele origin: germline. Affected: yes.
Comment: Has not been previously published as pathogenic or benign to our knowledge; In silico analysis supports that this missense variant does not alter protein structure/function; This variant is associated with the following publications: (PMID: 19349376)

Department of Pathology and Laboratory Medicine, Sinai Health System
Classification: Uncertain significance for Sarcotubular myopathy; Bardet-Biedl syndrome 11. Last evaluated: 2021-07-30. Review status: criteria provided, single submitter. Criteria: ACMG Guidelines, 2015. Collection method: research. Allele origin: germline.

Athena Diagnostics
Classification: Uncertain significance. Last evaluated: 2019-11-12. Review status: criteria provided, single submitter. Criteria: Athena Diagnostics Criteria. Collection method: clinical testing. Allele origin: unknown.

NM_012210.4(TRIM32):c.979A>G (p.Met327Val)

Genes: ASTN2 (astrotactin 2; minus strand), TRIM32 (tripartite motif containing 32; plus strand). Cytogenetic location: 9q33.1.
Variant type: single nucleotide variant.
Coding change: c.979A>G on transcript NM_012210.4 (MANE Select); coding-DNA position 979, A replaced by G.
Protein change: p.Met327Val; replaces methionine 327 with valine.
Molecular consequence: missense variant. On other transcripts: intron variant (3).
Genome position (GRCh38, 1-based): chr9:116,698,721, A>G. VCF-style: chr9-116698721-A-G. GRCh37 (hg19) VCF-style: chr9-119461000-A-G.
Other names: c.979A>G, p.Met327Val (NM_001099679.2, NM_001379048.1, NM_001379049.1 and 1 more transcripts); c.2653+27050T>C (NM_014010.5); c.2794+27050T>C (NM_001365069.1); c.2806+27050T>C (NM_001365068.1); short protein forms M327V.
Identifiers: ClinVar variation 450274 (VCV000450274.19), dbSNP rs373287765, ClinGen allele CA5211082.